The following is an entry in ClinVar:

NM_001288833.2(GGT1):c.154A>G (p.Lys52Glu)

Gene: GGT1 (gamma-glutamyltransferase 1; plus strand). Cytogenetic location: 22q11.23.
Variant type: single nucleotide variant.
Coding change: c.154A>G on transcript NM_001288833.2 (MANE Select); coding-DNA position 154, A replaced by G.
Protein change: p.Lys52Glu; replaces lysine 52 with glutamic acid.
Molecular consequence: missense variant.
Genome position (GRCh38, 1-based): chr22:24,611,235, A>G. VCF-style: chr22-24611235-A-G. GRCh37 (hg19) VCF-style: chr22-25007202-A-G.
Other names: c.154A>G, p.Lys52Glu (NM_013421.3, NM_013430.3); short protein forms K52E.
Identifiers: ClinVar variation 2672900 (VCV002672900.23), dbSNP rs2330838, ClinGen allele CA10154229.

ClinVar aggregate classification (germline): Likely benign (1 of 4 stars; one submission).

Allele frequency attached by ClinVar (database versions not stated): 1000 Genomes Project 30x 0.00547.
gnomAD v4.1: 5,454 of 1,533,526 alleles (0.36%); highest among the groups gnomAD compares: Admixed American, 0.64%; 19 homozygotes.

Submission:

CeGaT Center for Human Genetics Tuebingen
Classification: Likely benign. Last evaluated: 2026-07-01. Review status: criteria provided, single submitter. Criteria: CeGaT Center For Human Genetics Tuebingen Variant Classification Criteria Version 2. Collection method: clinical testing. Allele origin: germline. Affected: yes. Observed: 4 variant alleles.
Comment: GGT1: PP2, BP4, BS2